The following is an entry in ClinVar:

ClinVar aggregate classification (germline): Uncertain significance. Review status: criteria provided, multiple submitters, no conflicts (2 of 4 stars). 2 submissions from 2 submitters: Uncertain significance (2). Last evaluated 2023-04-27.

Conditions:
Hereditary cancer-predisposing syndrome. Also called: Hereditary Cancer Syndrome; Hereditary neoplastic syndrome; Neoplastic Syndromes, Hereditary; Tumor predisposition. Identifiers: Orphanet 140162, MedGen C0027672, MeSH D009386, MONDO:0015356.
Ataxia-telangiectasia syndrome (AT). Also called: Cerebello-oculocutaneous telangiectasia; Immunodeficiency with ataxia telangiectasia; AT, COMPLEMENTATION GROUP C; Ataxia-telangiectasia; Ataxia-telangiectasia, complementation group E; Ataxia telangiectasia (A-T). Identifiers: Orphanet 100, MedGen C0004135, MONDO:0008840, OMIM 208900.

Submissions (2):

Ambry Genetics
Classification: Uncertain significance for Hereditary cancer-predisposing syndrome. Last evaluated: 2023-04-27. Review status: criteria provided, single submitter. Criteria: Ambry Variant Classification Scheme 2023. Collection method: clinical testing. Allele origin: germline.
Comment: The p.K25E variant (also known as c.73A>G) is located in coding exon 2 of the ATM gene. The lysine at codon 25 is replaced by glutamic acid, an amino acid with similar properties. This change occurs in the first base pair of coding exon 2. This amino acid position is well conserved in available vertebrate species. In addition, the in silico prediction for this alteration is inconclusive. Since supporting evidence is limited at this time, the clinical significance of this alteration remains unclear.

Labcorp Genetics (formerly Invitae), Labcorp
Classification: Uncertain significance for Ataxia-telangiectasia syndrome. Last evaluated: 2023-02-04. Review status: criteria provided, single submitter. Criteria: Invitae Variant Classification Sherloc (09022015). Collection method: clinical testing. Allele origin: germline.
Comment: In summary, the available evidence is currently insufficient to determine the role of this variant in disease. Therefore, it has been classified as a Variant of Uncertain Significance. This sequence change replaces lysine, which is basic and polar, with glutamic acid, which is acidic and polar, at codon 25 of the ATM protein (p.Lys25Glu). This variant is not present in population databases (gnomAD no frequency). This variant has not been reported in the literature in individuals affected with ATM-related conditions. Algorithms developed to predict the effect of missense changes on protein structure and function are either unavailable or do not agree on the potential impact of this missense change (SIFT: "Deleterious"; PolyPhen-2: "Possibly Damaging"; Align-GVGD: "Class C0").

NM_000051.4(ATM):c.73A>G (p.Lys25Glu)

Gene: ATM (ATM serine/threonine kinase; plus strand). Cytogenetic location: 11q22.3.
Variant type: single nucleotide variant.
Coding change: c.73A>G on transcript NM_000051.4 (MANE Select); coding-DNA position 73, A replaced by G.
Protein change: p.Lys25Glu; replaces lysine 25 with glutamic acid.
Molecular consequence: missense variant.
Genome position (GRCh38, 1-based): chr11:108,227,776, A>G. VCF-style: chr11-108227776-A-G. GRCh37 (hg19) VCF-style: chr11-108098503-A-G.
Other names: c.73A>G, p.Lys25Glu (NM_001351834.2, NM_001351835.2, NM_001351836.2); short protein forms K25E.
Identifiers: ClinVar variation 2081485 (VCV002081485.6), dbSNP rs2135010444, ClinGen allele CA382519459.